The following is an entry in ClinVar:

NM_005236.3(ERCC4):c.1342G>C (p.Glu448Gln)

Gene: ERCC4 (ERCC excision repair 4, endonuclease catalytic subunit; plus strand). Cytogenetic location: 16p13.12.
Variant type: single nucleotide variant.
Coding change: c.1342G>C on transcript NM_005236.3 (MANE Select); coding-DNA position 1342, G replaced by C.
Protein change: p.Glu448Gln; replaces glutamic acid 448 with glutamine.
Molecular consequence: missense variant.
Genome position (GRCh38, 1-based): chr16:13,935,274, G>C. VCF-style: chr16-13935274-G-C. GRCh37 (hg19) VCF-style: chr16-14029131-G-C.
Other names: short protein forms E448Q.
Identifiers: ClinVar variation 885830 (VCV000885830.12), dbSNP rs547209644, ClinGen allele CA7910445.

ClinVar aggregate classification (germline): Likely benign. Review status: criteria provided, multiple submitters, no conflicts (2 of 4 stars). 3 submissions from 3 submitters: Likely benign (3). Last evaluated 2026-01-20.

Conditions:
Xeroderma pigmentosum, group F (XPF). Also called: XERODERMA PIGMENTOSUM, TYPE F; Xeroderma pigmentosum, type 6; XERODERMA PIGMENTOSUM, COMPLEMENTATION GROUP F; XERODERMA PIGMENTOSUM VI; XP, GROUP F; ERCC4-Related Xeroderma Pigmentosum. Identifiers: MedGen C0268140, MONDO:0010215, OMIM 278760.
Fanconi anemia complementation group Q. Identifiers: Orphanet 84, MedGen C3808988, MONDO:0014108, OMIM 615272.
Cockayne syndrome. Identifiers: Orphanet 191, MedGen C0009207, MONDO:0016006.
XFE progeroid syndrome (XFEPS). Also called: XPF-ERCC1 PROGEROID SYNDROME. Identifiers: MedGen C1970416, MONDO:0012590, OMIM 610965.

Allele frequency attached by ClinVar (database versions not stated): gnomAD below 0.00001 and 0.00010; TOPMed 0.00002; gnomAD exomes 0.00018 and 0.00038; ExAC 0.00042; 1000 Genomes Project 0.00060; 1000 Genomes Project 30x 0.00062.
gnomAD v4.1: 274 of 1,614,082 alleles (0.017%); highest among the groups gnomAD compares: South Asian, 0.29%; 3 homozygotes.

Submissions (3):

Labcorp Genetics (formerly Invitae), Labcorp
Classification: Likely benign for Fanconi anemia complementation group Q; Xeroderma pigmentosum, group F; Cockayne syndrome. Last evaluated: 2026-01-20. Review status: criteria provided, single submitter. Criteria: Invitae Variant Classification Sherloc (09022015). Collection method: clinical testing. Allele origin: germline.

Fulgent Genetics
Classification: Likely benign for Xeroderma pigmentosum, group F; XFE progeroid syndrome; Fanconi anemia complementation group Q. Last evaluated: 2022-02-09. Review status: criteria provided, single submitter. Criteria: ACMG Guidelines, 2015. Collection method: clinical testing. Allele origin: unknown.

Illumina Laboratory Services, Illumina
Classification: Likely benign for Xeroderma pigmentosum, group F. Last evaluated: 2018-01-13. Review status: criteria provided, single submitter. Criteria: ICSL Variant Classification Criteria 13 December 2019. Collection method: clinical testing. Allele origin: germline.
Comment: This variant was observed in the ICSL laboratory as part of a predisposition screen in an ostensibly healthy population. It had not been previously curated by ICSL or reported in the Human Gene Mutation Database (HGMD: prior to June 1st, 2018), and was therefore a candidate for classification through an automated scoring system. Utilizing variant allele frequency, disease prevalence and penetrance estimates, and inheritance mode, an automated score was calculated to assess if this variant is too frequent to cause the disease. Based on the score and internal cut-off values, a variant classified as likely benign is not then subjected to further curation. The score for this variant resulted in a classification of likely benign for this disease.